The following is an entry in ClinVar:

ClinVar aggregate classification (germline): Conflicting classifications of pathogenicity. Review status: criteria provided, conflicting classifications (1 of 4 stars). 9 submissions from 9 submitters: Uncertain significance (1); Likely benign (4). 4 of the submissions do not count toward it. Last evaluated 2026-07-01.

Conditions:
Short-rib thoracic dysplasia 10 with or without polydactyly (SRTD10). Identifiers: Orphanet 474, MedGen C3810175, MONDO:0014284, OMIM 615630.
Retinitis pigmentosa 71 (RP71). Identifiers: Orphanet 791, MedGen C4225342, MONDO:0014618, OMIM 616394.

Allele frequency attached by ClinVar (database versions not stated): 1000 Genomes Project 0.00080; gnomAD 0.00103 and 0.00106; 1000 Genomes Project 30x 0.00078; ESP Exome Variant Server 0.00115; TOPMed 0.00125; gnomAD exomes 0.00128 and 0.00175; ExAC 0.00133.
gnomAD v4.1: 2,686 of 1,614,186 alleles (0.17%); highest among the groups gnomAD compares: Non-Finnish European, 0.21%; 3 homozygotes.

Submissions (9):

CeGaT Center for Human Genetics Tuebingen
Classification: Likely benign. Last evaluated: 2026-07-01. Review status: criteria provided, single submitter. Criteria: CeGaT Center For Human Genetics Tuebingen Variant Classification Criteria Version 2. Collection method: clinical testing. Allele origin: germline. Affected: yes. Observed: 3 variant alleles.
Comment: IFT172: BP4

Labcorp Genetics (formerly Invitae), Labcorp
Classification: Likely benign for Retinitis pigmentosa 71; Short-rib thoracic dysplasia 10 with or without polydactyly. Last evaluated: 2026-02-03. Review status: criteria provided, single submitter. Criteria: Invitae Variant Classification Sherloc (09022015). Collection method: clinical testing. Allele origin: germline.

Blueprint Genetics
Classification: Likely benign. Last evaluated: 2024-10-22. Review status: criteria provided, single submitter. Criteria: ACMG Guidelines, 2015. Collection method: clinical testing. Allele origin: germline.

Genetic Services Laboratory, University of Chicago
Classification: Uncertain significance. Last evaluated: 2018-06-12. Review status: criteria provided, single submitter. Criteria: ACMG Guidelines, 2015. Collection method: clinical testing. Allele origin: germline. Affected: no.

GeneDx
Classification: Likely benign. Last evaluated: 2018-01-26. Review status: criteria provided, single submitter. Criteria: GeneDx Variant Classification (06012015). Collection method: clinical testing. Allele origin: germline. Affected: yes.
Comment: This variant is considered likely benign or benign based on one or more of the following criteria: it is a conservative change, it occurs at a poorly conserved position in the protein, it is predicted to be benign by multiple in silico algorithms, and/or has population frequency not consistent with disease.

Clinical Genetics DNA and cytogenetics Diagnostics Lab, Erasmus MC, Erasmus Medical Center
Classification: Likely benign. Review status: no assertion criteria provided. Collection method: clinical testing. Allele origin: germline. Affected: yes. Study: VKGL Data-share Consensus. Not counted in ClinVar's aggregate classification.

Clinical Genetics, Academic Medical Center
Classification: Benign. Review status: no assertion criteria provided. Collection method: clinical testing. Allele origin: germline. Affected: yes. Study: VKGL Data-share Consensus. Not counted in ClinVar's aggregate classification.

Genome Diagnostics Laboratory, University Medical Center Utrecht
Classification: Likely benign. Review status: no assertion criteria provided. Collection method: clinical testing. Allele origin: germline. Affected: yes. Study: VKGL Data-share Consensus. Not counted in ClinVar's aggregate classification.

Laboratory of Diagnostic Genome Analysis, Leiden University Medical Center (LUMC)
Classification: Likely benign. Review status: no assertion criteria provided. Collection method: clinical testing. Allele origin: germline. Affected: yes. Study: VKGL Data-share Consensus. Not counted in ClinVar's aggregate classification.

NM_015662.3(IFT172):c.3530+7T>C

Genes: IFT172 (intraflagellar transport 172; minus strand), LOC126806173 (BRD4-independent group 4 enhancer GRCh37_chr2:27676057-27677256; plus strand). Cytogenetic location: 2p23.3.
Variant type: single nucleotide variant.
Coding change: c.3530+7T>C on transcript NM_015662.3 (MANE Select); 7 bases into the intron after coding-DNA position 3530, T replaced by C.
Molecular consequence: intron variant.
Genome position (GRCh38, 1-based): chr2:27,454,347, A>G on the plus strand (T>C on the coding strand, the complement: IFT172 is on the minus strand). VCF-style: chr2-27454347-A-G. GRCh37 (hg19) VCF-style: chr2-27677214-A-G.
Identifiers: ClinVar variation 385854 (VCV000385854.29), dbSNP rs150882197, ClinGen allele CA1579959.
Genomic context (GRCh38, chr2:27,454,347, plus strand): 5'-ATAATCATGAAAGATCCTGGGACGGTGACTGGGGAAACAGTATTAAGGAATGTATGGGGT[A>G]ACTCACATGAGGACTGCCTCCTTGGGTTTACCAGCTCTGATGAATTCAGCTTCAGCCTCT-3'